The following is an entry in ClinVar:

ClinVar aggregate classification (germline): Likely pathogenic (1 of 4 stars; one submission).

Submission:

GeneDx
Classification: Likely pathogenic. Last evaluated: 2024-11-25. Review status: criteria provided, single submitter. Criteria: GeneDx Variant Classification Process June 2021. Collection method: clinical testing. Allele origin: germline. Affected: yes.
Comment: Identified in a family with congenital aniridia, however, specific clinical information regarding PAX6-related features was limited (PMID: 17485622); Not observed at significant frequency in large population cohorts (gnomAD); In silico analysis supports that this missense variant has a deleterious effect on protein structure/function; This variant is associated with the following publications: (PMID: 17485622)

NM_001368894.2(PAX6):c.206A>G (p.Lys69Arg)

Gene: PAX6 (paired box 6; minus strand). Cytogenetic location: 11p13.
Variant type: single nucleotide variant.
Coding change: c.206A>G on transcript NM_001368894.2 (MANE Select); coding-DNA position 206, A replaced by G.
Protein change: p.Lys69Arg; replaces lysine 69 with arginine.
Molecular consequence: missense variant. On other transcripts: 5 prime UTR variant (14), non-coding transcript variant (2), intron variant (8).
Genome position (GRCh38, 1-based): chr11:31,801,754, T>C on the plus strand (A>G on the coding strand, the complement: PAX6 is on the minus strand). VCF-style: chr11-31801754-T-C. GRCh37 (hg19) VCF-style: chr11-31823302-T-C.
Other names: c.164A>G, p.Lys55Arg (NM_000280.6, NM_001127612.3, NM_001258464.2 and 10 more transcripts); c.206A>G, p.Lys69Arg (NM_001258462.3, NM_001258463.2, NM_001310158.2 and 6 more transcripts); c.-576A>G (NM_001310160.2, NM_001368902.2, NM_001368905.2); c.-245A>G (NM_001310161.3, NM_001368899.2, NM_001368900.2 and 8 more transcripts); c.407A>G, p.Lys136Arg (NM_001368910.2); c.209A>G, p.Lys70Arg (NM_001368911.2); c.281A>G, p.Lys94Arg (NM_001368918.2, NM_001368919.2); c.239A>G, p.Lys80Arg (NM_001368920.2); and 2 more; short protein forms K136R, K55R, K69R, K70R, K80R, K94R.
Identifiers: ClinVar variation 3900206 (VCV003900206.1).